The following is an entry in ClinVar:

NM_014806.5(RUSC2):c.3803C>T (p.Ala1268Val)

Gene: RUSC2 (RUN and SH3 domain containing 2; plus strand). Cytogenetic location: 9p13.3.
Variant type: single nucleotide variant.
Coding change: c.3803C>T on transcript NM_014806.5 (MANE Select); coding-DNA position 3803, C replaced by T.
Protein change: p.Ala1268Val; replaces alanine 1268 with valine.
Molecular consequence: missense variant. On other transcripts: non-coding transcript variant (1).
Genome position (GRCh38, 1-based): chr9:35,560,443, C>T. VCF-style: chr9-35560443-C-T. GRCh37 (hg19) VCF-style: chr9-35560440-C-T.
Other names: c.3803C>T, p.Ala1268Val (NM_001135999.2); c.1169C>T, p.Ala390Val (NM_001330740.2); short protein forms A1268V, A390V.
Identifiers: ClinVar variation 1492267 (VCV001492267.6), dbSNP rs753721085, ClinGen allele CA5044246.

ClinVar aggregate classification (germline): Uncertain significance (1 of 4 stars; one submission).

Allele frequency attached by ClinVar (database versions not stated): gnomAD exomes below 0.00001 and 0.00001; TOPMed below 0.00001; ExAC 0.00001.
gnomAD v4.1: 5 of 1,614,200 alleles (0.00031%); highest among the groups gnomAD compares: Admixed American, 0.0017%; no homozygotes.

Submission:

Labcorp Genetics (formerly Invitae), Labcorp
Classification: Uncertain significance. Last evaluated: 2024-01-24. Review status: criteria provided, single submitter. Criteria: Invitae Variant Classification Sherloc (09022015). Collection method: clinical testing. Allele origin: germline.
Comment: This sequence change replaces alanine, which is neutral and non-polar, with valine, which is neutral and non-polar, at codon 1268 of the RUSC2 protein (p.Ala1268Val). This variant is present in population databases (rs753721085, gnomAD 0.003%). This variant has not been reported in the literature in individuals affected with RUSC2-related conditions. ClinVar contains an entry for this variant (Variation ID: 1492267). An algorithm developed to predict the effect of missense changes on protein structure and function (PolyPhen-2) suggests that this variant¬†is likely to be tolerated. In summary, the available evidence is currently insufficient to determine the role of this variant in disease. Therefore, it has been classified as a Variant of Uncertain Significance.